The following is an entry in ClinVar:

NM_006361.6(HOXB13):c.122C>A (p.Thr41Lys)

Gene: HOXB13 (homeobox B13; minus strand). Cytogenetic location: 17q21.32.
Variant type: single nucleotide variant.
Coding change: c.122C>A on transcript NM_006361.6 (MANE Select); coding-DNA position 122, C replaced by A.
Protein change: p.Thr41Lys; replaces threonine 41 with lysine.
Molecular consequence: missense variant.
Genome position (GRCh38, 1-based): chr17:48,728,472, G>T on the plus strand (C>A on the coding strand, the complement: HOXB13 is on the minus strand). VCF-style: chr17-48728472-G-T. GRCh37 (hg19) VCF-style: chr17-46805834-G-T.
Other names: short protein forms T41K.
Identifiers: ClinVar variation 690538 (VCV000690538.11), dbSNP rs199799743, ClinGen allele CA400109227.
Genomic context (GRCh38, chr17:48,728,472, plus strand): 5'-TTTGGCGGCTCCGCCGAGCCTGGCAGATCCAAGGGGGCATAGTTGACAGCAGGCATCAGC[G>T]TAGGCGCCGCTGGGTGGCTGGTCAGAGGGGAGTGGGCGACCAGATTCCGCCCCCCTCCCG-3'
Protein context (NP_006352.2, residues 31-51): SPLTSHPAAP[Thr41Lys]LMPAVNYAPL

ClinVar aggregate classification (germline): Uncertain significance. Review status: criteria provided, single submitter (1 of 4 stars). 2 submissions from 2 submitters: Uncertain significance (1). 1 of the submissions does not count toward it. Last evaluated 2020-10-28.

Conditions:
Prostate cancer, hereditary, 1 (HPC1). Identifiers: Orphanet 1331, MedGen C4722327, MONDO:0011098, OMIM 601518.

gnomAD v4.1: 2 of 1,613,220 alleles (0.00012%); highest among the groups gnomAD compares: South Asian, 0.0022%; no homozygotes.

Submissions (2):

Labcorp Genetics (formerly Invitae), Labcorp
Classification: Uncertain significance. Last evaluated: 2020-10-28. Review status: criteria provided, single submitter. Criteria: Invitae Variant Classification Sherloc (09022015). Collection method: clinical testing. Allele origin: germline.
Comment: In summary, the available evidence is currently insufficient to determine the role of this variant in disease. Therefore, it has been classified as a Variant of Uncertain Significance. Algorithms developed to predict the effect of missense changes on protein structure and function (SIFT, PolyPhen-2, Align-GVGD) all suggest that this variant is likely to be tolerated, but these predictions have not been confirmed by published functional studies and their clinical significance is uncertain. This variant has not been reported in the literature in individuals with HOXB13-related conditions. This variant is not present in population databases (ExAC no frequency). This sequence change replaces threonine with lysine at codon 41 of the HOXB13 protein (p.Thr41Lys). The threonine residue is weakly conserved and there is a moderate physicochemical difference between threonine and lysine.

Laboratory of Virology, Microbiology,  Quality and Medical Biotechnologies, Faculty of Sciences and Techniques - Mohammedia, Hassan II University of Casablanca
Classification: Uncertain significance for Prostate cancer, hereditary, 1. Review status: no assertion criteria provided. Collection method: clinical testing. Allele origin: somatic. Affected: yes. Not counted in ClinVar's aggregate classification.